The following is an entry in ClinVar:

NM_000022.4(ADA):c.57del (p.Asp19fs)

Genes: ADA (adenosine deaminase; minus strand), LOC107303343 (adenosine deaminase intronic regulatory elements; plus strand). Cytogenetic location: 20q13.12.
Variant type: Deletion.
Coding change: c.57del on transcript NM_000022.4 (MANE Select); coding-DNA position 57, one base deleted (C; older notation c.57delC).
Protein change: p.Asp19fs; shifts the reading frame from aspartic acid 19.
Molecular consequence: frameshift variant. On other transcripts: 5 prime UTR variant (1), non-coding transcript variant (1).
Genome position (GRCh38, 1-based): chr20:44,636,265, G deleted on the plus strand (C on the coding strand, the reverse complement: ADA is on the minus strand). VCF-style (leftmost placement, unchanged base first): chr20-44636264-CG-C. GRCh37 (hg19) VCF-style: chr20-43264905-CG-C.
Other names: c.-233del (NM_001322050.2); c.57del, p.Asp19fs (NM_001322051.2); short protein forms D19fs.
Identifiers: ClinVar variation 5013862 (VCV005013862.1).

ClinVar aggregate classification (germline): Pathogenic (1 of 4 stars; one submission).

Conditions:
Severe combined immunodeficiency, autosomal recessive, T cell-negative, B cell-negative, NK cell-negative, due to adenosine deaminase deficiency. Also called: ADA-SCID; SCID DUE TO ADA DEFICIENCY; SCID DUE TO ADA DEFICIENCY, EARLY-ONSET; ADA deficiency; Adenosine deaminase deficient severe combined immunodeficiency; Severe combined immunodeficiency due to ADA deficiency. Identifiers: Orphanet 277, MedGen C0392607, MONDO:0007064, OMIM 102700.

Submission:

Myriad Genetics, Inc.
Classification: Pathogenic for Severe combined immunodeficiency, autosomal recessive, T cell-negative, B cell-negative, NK cell-negative, due to adenosine deaminase deficiency. Last evaluated: 2024-12-15. Review status: criteria provided, single submitter. Criteria: Myriad Autosomal Dominant, Autosomal Recessive and X-Linked Classification Criteria (2023). Collection method: clinical testing. Allele origin: unknown.
Comment: NM_000022.2(ADA):c.57delC(D19Efs*29) is expected to be pathogenic in the context of adenosine deaminase deficiency. This variant is predicted to lead to an abnormal or absent protein product due to the creation of a premature termination codon in ADA, a gene where loss-of-function variants are known to be pathogenic. Please note: this variant was assessed in the context of healthy population screening.